The following is an entry in ClinVar:

ClinVar aggregate classification (germline): Conflicting classifications of pathogenicity. Review status: criteria provided, conflicting classifications (1 of 4 stars). 2 submissions from 1 submitter: Pathogenic (1); Uncertain significance (1). Last evaluated 2022-10-18.

Conditions:
Familial sleep-related hypermotor epilepsy. Also called: Autosomal Dominant Sleep-Related Hypermotor (Hyperkinetic) Epilepsy. Identifiers: Orphanet 98784, MedGen C3696898, MONDO:0000030.
Developmental and epileptic encephalopathy. Identifiers: MedGen C5779964, MONDO:0100620.

Submissions (2):

Labcorp Genetics (formerly Invitae), Labcorp
Classification: Pathogenic for Early-infantile DEE. Last evaluated: 2022-10-18. Review status: criteria provided, single submitter. Criteria: Invitae Variant Classification Sherloc (09022015). Collection method: clinical testing. Allele origin: germline.
Comment: This variant is a gross deletion of the genomic region encompassing exon(s) 14-17 of the KCNQ2 gene, which includes the termination codon. This deletion extends beyond the assayed region for this gene and therefore may encompass additional genes. While this deletion is not anticipated to lead to nonsense mediated decay, it is expected to alter mRNA translation or result in a truncated protein product. This variant has not been reported in the literature in individuals affected with KCNQ2-related conditions. This variant disrupts a region of the KCNQ2 protein in which other variant(s) (p.Cys744Leufs*91, p.Gly727Alafs*140) have been determined to be pathogenic (PMID: 23692823; Invitae). This suggests that this is a clinically significant region of the protein, and that variants that disrupt it are likely to be disease-causing. For these reasons, this variant has been classified as Pathogenic.

Labcorp Genetics (formerly Invitae), Labcorp
Classification: Uncertain significance. Last evaluated: 2021-09-16. Review status: criteria provided, single submitter. Criteria: Invitae Variant Classification Sherloc (09022015). Collection method: clinical testing. Allele origin: germline.

Literature cited by the submitters: PubMed 23692823.

NC_000020.10:g.(?_61987717)_(62038734_?)del

Genes: CHRNA4 (cholinergic receptor nicotinic alpha 4 subunit; minus strand), KCNQ2 (potassium voltage-gated channel subfamily Q member 2; minus strand). Cytogenetic location: 20q13.33.
Variant type: Deletion.
Identifiers: ClinVar variation 999129 (VCV000999129.7).